The following is an entry in ClinVar:

NM_020937.4(FANCM):c.4748A>G (p.Lys1583Arg)

Gene: FANCM (FA complementation group M; plus strand). Cytogenetic location: 14q21.2.
Variant type: single nucleotide variant.
Coding change: c.4748A>G on transcript NM_020937.4 (MANE Select); coding-DNA position 4748, A replaced by G.
Protein change: p.Lys1583Arg; replaces lysine 1583 with arginine.
Molecular consequence: missense variant.
Genome position (GRCh38, 1-based): chr14:45,187,856, A>G. VCF-style: chr14-45187856-A-G. GRCh37 (hg19) VCF-style: chr14-45657059-A-G.
Other names: c.4670A>G, p.Lys1557Arg (NM_001308133.2); short protein forms K1557R, K1583R.
Identifiers: ClinVar variation 4022788 (VCV004022788.1).
Genomic context (GRCh38, chr14:45,187,856, plus strand): 5'-CTATTTACATGAAATCTTTGCGTAGTCCAATGATGAACAATAAGTACAAAATGATTCATA[A>G]GACACATAAAAACATAAACATTTTCTCGCAGGTATGAACTATAGAAATATAATGGAGAAT-3'
Protein context (NP_065988.1, residues 1573-1593): MMNNKYKMIH[Lys1583Arg]THKNINIFSQ

ClinVar aggregate classification (germline): Uncertain significance (1 of 4 stars; one submission).

Conditions:
Inborn genetic diseases. Identifiers: MedGen C0950123, MeSH D030342.

Submission:

Ambry Genetics
Classification: Uncertain significance for Inborn genetic diseases. Last evaluated: 2025-05-17. Review status: criteria provided, single submitter. Criteria: Ambry Variant Classification Scheme 2023. Collection method: clinical testing. Allele origin: germline.
Comment: The p.K1583R variant (also known as c.4748A>G), located in coding exon 19 of the FANCM gene, results from an A to G substitution at nucleotide position 4748. The lysine at codon 1583 is replaced by arginine, an amino acid with highly similar properties. This amino acid position is conserved. In addition, this alteration is predicted to be tolerated by in silico analysis. Based on the available evidence, the clinical significance of this variant remains unclear.